The following is an entry in ClinVar:

ClinVar aggregate classification (germline): Conflicting classifications of pathogenicity. Review status: criteria provided, conflicting classifications (1 of 4 stars). 5 submissions from 5 submitters: Likely pathogenic (3); Uncertain significance (1). 1 of the submissions does not count toward it. Last evaluated 2025-03-10.

Conditions:
Zellweger spectrum disorders (ZS). Also called: Zellweger Spectrum Disorder; Zellweger Spectrum; Zellweger Spectrum Disorder (ZSD); Zellweger syndrome. Identifiers: Orphanet 912, MedGen C0043459, MONDO:0019609.
Peroxisome biogenesis disorder 4A (Zellweger) (PBD4A). Also called: Zellweger syndrome spectrum (PEX6-related). Identifiers: Orphanet 912, MedGen C3553936, MONDO:0013930, OMIM 614862. Disease mechanism: loss of function.
Peroxisome biogenesis disorder 4B (PBD4B). Also called: SPINOCEREBELLAR ATAXIA WITH BLINDNESS AND DEAFNESS 1. Identifiers: Orphanet 44, Orphanet 95433, MedGen C3553937, MONDO:0013931, OMIM 614863.
Heimler syndrome 2 (HMLR2). Also called: PEROXISOME BIOGENESIS DISORDER 4C. Identifiers: Orphanet 3220, MedGen C4225267, OMIM 616617, MONDO:0014709.
Peroxisome biogenesis disorder. Identifiers: Orphanet 79189, MedGen C1832200, MONDO:0019234. Disease mechanism: loss of function.
PEX6-related disorder. Also called: PEX6-related condition; PEX6-related disorders.

Allele frequency attached by ClinVar (database versions not stated): gnomAD exomes 0.00001; TOPMed 0.00001.

Submissions (5):

Natera, Inc.
Classification: Likely pathogenic for Zellweger syndrome. Last evaluated: 2025-03-10. Review status: criteria provided, single submitter. Criteria: Natera Variant Classification Schema (03/2026). Collection method: clinical testing. Allele origin: germline.
Comment: The c.35T>C variant in PEX6 is a missense variant predicted to cause substitution of phenylalanine to serine at amino acid 12. This variant is rare in the general population with a frequency below the threshold expected for the associated phenotype(s). This variant has been observed in one or more individuals affected with the associated recessive disease, as either homozygous or compound heterozygous with a second variant (PMID: 15542397, 36249295). Computational prediction algorithms indicate this variant is likely to affect gene or protein function. Given the available evidence, this variant is classified as Likely Pathogenic.

Baylor Genetics
Classification: Likely pathogenic for Heimler syndrome 2. Last evaluated: 2024-03-19. Review status: criteria provided, single submitter. Criteria: ACMG Guidelines, 2015. Collection method: clinical testing. Allele origin: unknown.

Labcorp Genetics (formerly Invitae), Labcorp
Classification: Uncertain significance for Peroxisome biogenesis disorder. Last evaluated: 2022-02-21. Review status: criteria provided, single submitter. Criteria: Invitae Variant Classification Sherloc (09022015). Collection method: clinical testing. Allele origin: germline.
Comment: This sequence change replaces phenylalanine, which is neutral and non-polar, with serine, which is neutral and polar, at codon 12 of the PEX6 protein (p.Phe12Ser). This variant is not present in population databases (gnomAD no frequency). This missense change has been observed in individual(s) with Zellweger spectrum disorder (PMID: 15542397). ClinVar contains an entry for this variant (Variation ID: 557609). Algorithms developed to predict the effect of missense changes on protein structure and function are either unavailable or do not agree on the potential impact of this missense change (SIFT: "Deleterious"; PolyPhen-2: "Probably Damaging"; Align-GVGD: "Class C0"). In summary, the available evidence is currently insufficient to determine the role of this variant in disease. Therefore, it has been classified as a Variant of Uncertain Significance.

Blueprint Genetics
Classification: Likely pathogenic for PEX6-related disorders. Last evaluated: 2021-02-15. Review status: criteria provided, single submitter. Criteria: ACMG Guidelines, 2015. Collection method: clinical testing. Allele origin: germline. Affected: yes. Observed: 3 variant alleles.

Counsyl
Classification: Uncertain significance for Peroxisome biogenesis disorder 4A (Zellweger); Peroxisome biogenesis disorder 4B. Last evaluated: 2018-04-03. Review status: no assertion criteria provided. Collection method: clinical testing. Allele origin: unknown. Not counted in ClinVar's aggregate classification.

Literature cited by the submitters: PubMed 15542397 (cited by 3 submitters); PubMed 36249295 (cited by Natera, Inc.).

NM_000287.4(PEX6):c.35T>C (p.Phe12Ser)

Gene: PEX6 (peroxisomal biogenesis factor 6; minus strand). Cytogenetic location: 6p21.1.
Variant type: single nucleotide variant.
Coding change: c.35T>C on transcript NM_000287.4 (MANE Select); coding-DNA position 35, T replaced by C.
Protein change: p.Phe12Ser; replaces phenylalanine 12 with serine.
Molecular consequence: missense variant. On other transcripts: non-coding transcript variant (1).
Genome position (GRCh38, 1-based): chr6:42,979,116, A>G on the plus strand (T>C on the coding strand, the complement: PEX6 is on the minus strand). VCF-style: chr6-42979116-A-G. GRCh37 (hg19) VCF-style: chr6-42946854-A-G.
Other names: c.35T>C, p.Phe12Ser (NM_001316313.2); short protein forms F12S.
Identifiers: ClinVar variation 557609 (VCV000557609.8), dbSNP rs61752139, ClinGen allele CA138238795.